The following is an entry in ClinVar:

NM_006567.5(FARS2):c.1312C>G (p.Gln438Glu)

Gene: FARS2 (phenylalanyl-tRNA synthetase 2, mitochondrial; plus strand). Cytogenetic location: 6p25.1.
Variant type: single nucleotide variant.
Coding change: c.1312C>G on transcript NM_006567.5 (MANE Select); coding-DNA position 1312, C replaced by G.
Protein change: p.Gln438Glu; replaces glutamine 438 with glutamic acid.
Molecular consequence: missense variant.
Genome position (GRCh38, 1-based): chr6:5,771,385, C>G. VCF-style: chr6-5771385-C-G. GRCh37 (hg19) VCF-style: chr6-5771618-C-G.
Other names: c.1312C>G, p.Gln438Glu (NM_001318872.2, NM_001374875.1, NM_001374876.1 and 4 more transcripts); c.1180C>G, p.Gln394Glu (NM_001375258.1); c.616C>G, p.Gln206Glu (NM_001375259.1, NM_001375260.1); short protein forms Q206E, Q394E, Q438E.
Identifiers: ClinVar variation 1472949 (VCV001472949.6), dbSNP rs1477908693, ClinGen allele CA362737552.

ClinVar aggregate classification (germline): Uncertain significance (1 of 4 stars; one submission).

Conditions:
Combined oxidative phosphorylation defect type 14. Also called: Combined oxidative phosphorylation deficiency 14. Identifiers: Orphanet 319519, MedGen C4755312, MONDO:0013986, OMIM 614946.

Allele frequency attached by ClinVar (database versions not stated): gnomAD 0.00001.
gnomAD v4.1: 2 of 1,614,120 alleles (0.00012%); highest among the groups gnomAD compares: Non-Finnish European, 0.00017%; no homozygotes.

Submission:

Labcorp Genetics (formerly Invitae), Labcorp
Classification: Uncertain significance for Combined oxidative phosphorylation defect type 14. Last evaluated: 2021-03-24. Review status: criteria provided, single submitter. Criteria: Invitae Variant Classification Sherloc (09022015). Collection method: clinical testing. Allele origin: germline.
Comment: In summary, the available evidence is currently insufficient to determine the role of this variant in disease. Therefore, it has been classified as a Variant of Uncertain Significance. Advanced modeling of protein sequence and biophysical properties (such as structural, functional, and spatial information, amino acid conservation, physicochemical variation, residue mobility, and thermodynamic stability) performed at Invitae indicates that this missense variant is not expected to disrupt FARS2 protein function. This variant has not been reported in the literature in individuals with FARS2-related conditions. This variant is not present in population databases (ExAC no frequency). This sequence change replaces glutamine with glutamic acid at codon 438 of the FARS2 protein (p.Gln438Glu). The glutamine residue is weakly conserved and there is a small physicochemical difference between glutamine and glutamic acid.